The following is an entry in ClinVar:

NM_000340.2(SLC2A2):c.5_14del (p.Thr2fs)

Gene: SLC2A2 (solute carrier family 2 member 2; minus strand). Cytogenetic location: 3q26.2.
Variant type: Deletion.
Coding change: c.5_14del on transcript NM_000340.2 (MANE Select); coding-DNA positions 5 to 14, 10 bases deleted (CAGAAGATAA; older notation c.5_14delCAGAAGATAA).
Protein change: p.Thr2fs; shifts the reading frame from threonine 2.
Molecular consequence: frameshift variant. On other transcripts: 5 prime UTR variant (2).
Genome position (GRCh38, 1-based): chr3:171,026,657-171,026,666, TTATCTTCTG deleted on the plus strand (CAGAAGATAA on the coding strand, the reverse complement: SLC2A2 is on the minus strand); deleting any 10 consecutive bases within chr3:171,026,657-171,026,667 gives the same sequence; the c. name uses the placement nearest the transcript's 3' end. VCF-style (leftmost placement, unchanged base first): chr3-171026656-CTTATCTTCTG-C. GRCh37 (hg19) VCF-style: chr3-170744445-CTTATCTTCTG-C.
Other names: c.-90_-81del (NM_001278658.2); c.-390_-381del (NM_001278659.2); short protein forms T2fs.
Identifiers: ClinVar variation 4854450 (VCV004854450.1).

ClinVar aggregate classification (germline): Pathogenic (1 of 4 stars; one submission).

Conditions:
Fanconi-Bickel syndrome (FBS). Also called: Glycogen storage disease due to GLUT2 deficiency; FANCONI SYNDROME WITH INTESTINAL MALABSORPTION AND GALACTOSE INTOLERANCE; HEPATORENAL GLYCOGENOSIS WITH RENAL FANCONI SYNDROME; PSEUDO-PHLORIZIN DIABETES; HEPATIC GLYCOGENOSIS WITH AMINO ACIDURIA AND GLUCOSURIA; HEPATIC GLYCOGENOSIS WITH FANCONI NEPHROPATHY. Identifiers: Orphanet 2088, MedGen C3495427, MONDO:0009216, OMIM 227810.

Submission:

3billion
Classification: Pathogenic for Fanconi-Bickel syndrome. Last evaluated: 2025-06-16. Review status: criteria provided, single submitter. Criteria: ACMG Guidelines, 2015. Collection method: clinical testing. Allele origin: germline. Affected: yes.
Comment: The variant is not observed in the gnomAD v4.1.0 dataset. Predicted Consequence/Location: Frameshift: predicted to result in a loss or disruption of normal protein function through nonsense-mediated decay (NMD) or protein truncation. Multiple pathogenic variants are reported downstream of the variant. Therefore, this variant is classified as Pathogenic according to the recommendation of ACMG/AMP guideline.